The following is an entry in ClinVar:

ClinVar aggregate classification (germline): Uncertain significance (1 of 4 stars; one submission).

Conditions:
Hereditary cancer-predisposing syndrome. Also called: Hereditary neoplastic syndrome; Neoplastic Syndromes, Hereditary; Tumor predisposition; Hereditary Cancer Syndrome. Identifiers: Orphanet 140162, MedGen C0027672, MeSH D009386, MONDO:0015356.

Submission:

Ambry Genetics
Classification: Uncertain significance for Hereditary cancer-predisposing syndrome. Last evaluated: 2025-08-13. Review status: criteria provided, single submitter. Criteria: Ambry Variant Classification Scheme 2023. Collection method: clinical testing. Allele origin: germline.
Comment: The p.E2750D variant (also known as c.8250G>T), located in coding exon 15 of the APC gene, results from a G to T substitution at nucleotide position 8250. The glutamic acid at codon 2750 is replaced by aspartic acid, an amino acid with highly similar properties. This amino acid position is conserved. In addition, in silico predictors for this gene do not accurately predict pathogenicity. Based on the available evidence, the clinical significance of this variant remains unclear.

NM_000038.6(APC):c.8250G>T (p.Glu2750Asp)

Gene: APC (APC regulator of Wnt signaling pathway; plus strand). Cytogenetic location: 5q22.2.
Variant type: single nucleotide variant.
Coding change: c.8250G>T on transcript NM_000038.6 (MANE Select); coding-DNA position 8250, G replaced by T.
Protein change: p.Glu2750Asp; replaces glutamic acid 2750 with aspartic acid.
Molecular consequence: missense variant. On other transcripts: non-coding transcript variant (2).
Genome position (GRCh38, 1-based): chr5:112,843,844, G>T. VCF-style: chr5-112843844-G-T. GRCh37 (hg19) VCF-style: chr5-112179541-G-T.
Other names: c.8250G>T, p.Glu2750Asp (NM_001127510.3, NM_001354895.2, NM_001407450.1); c.8196G>T, p.Glu2732Asp (NM_001127511.3); c.8304G>T, p.Glu2768Asp (NM_001354896.2, NM_001407447.1, NM_001407448.1 and 1 more transcripts); c.8280G>T, p.Glu2760Asp (NM_001354897.2); c.8175G>T, p.Glu2725Asp (NM_001354898.2); c.8166G>T, p.Glu2722Asp (NM_001354899.2); c.8127G>T, p.Glu2709Asp (NM_001354900.2); c.8073G>T, p.Glu2691Asp (NM_001354901.2, NM_001407453.1); and 11 more; short protein forms E2366D, E2467D, E2691D, E2725D, E2732D, E2740D, E2743D, E2750D.
Identifiers: ClinVar variation 4121469 (VCV004121469.1).
Genomic context (GRCh38, chr5:112,843,844, plus strand): 5'-CCCTGACCAAAAAGGAACTGAGATAAAACCAGGACAAAATAATCCTGTCCCTGTATCAGA[G>T]ACTAATGAAAGTTCTATAGTGGAACGTACCCCATTCAGTTCTAGCAGCTCAAGCAAACAC-3'
Protein context (NP_000029.2, residues 2740-2760): PGQNNPVPVS[Glu2750Asp]TNESSIVERT